The following is an entry in ClinVar:

ClinVar aggregate classification (germline): Conflicting classifications of pathogenicity. Review status: criteria provided, conflicting classifications (1 of 4 stars). 6 submissions from 6 submitters: Likely pathogenic (2); Uncertain significance (3). 1 of the submissions does not count toward it. Last evaluated 2026-02-19.

Conditions:
Hereditary cancer-predisposing syndrome. Also called: Tumor predisposition; Hereditary neoplastic syndrome; Neoplastic Syndromes, Hereditary; Hereditary Cancer Syndrome. Identifiers: Orphanet 140162, MedGen C0027672, MeSH D009386, MONDO:0015356.
Hereditary breast ovarian cancer syndrome. Also called: Hereditary breast and ovarian cancer; Breast and ovarian cancer; BRCA1- and BRCA2-Associated Hereditary Breast and Ovarian Cancer; Hereditary breast and ovarian cancer syndrome; Hereditary breast and ovarian cancer syndrome (HBOC); Hereditary breast and/or ovarian cancer syndrome. Identifiers: Orphanet 145, MedGen C0677776, MeSH D061325, MONDO:0003582. Disease mechanism: loss of function.
Malignant tumor of breast. Also called: Malignant breast neoplasm; Cancer breast. Identifiers: MedGen C0006142, MONDO:0007254. Disease mechanism: loss of function.

Submissions (6):

Ambry Genetics
Classification: Uncertain significance for Hereditary cancer-predisposing syndrome. Last evaluated: 2026-02-19. Review status: criteria provided, single submitter. Criteria: Ambry Variant Classification Scheme 2023. Collection method: clinical testing. Allele origin: germline.
Comment: The c.4675+3A>G intronic variant results from an A to G substitution 3 nucleotides after coding exon 13 in the BRCA1 gene. This nucleotide position is highly conserved in available vertebrate species. In silico splice site analysis predicts that this alteration may weaken the native splice donor site and may result in the creation or strengthening of a novel splice donor site. Based on the available evidence, the clinical significance of this variant remains unclear.

Women's Health and Genetics/Laboratory Corporation of America, LabCorp
Classification: Likely pathogenic for Hereditary breast ovarian cancer syndrome. Last evaluated: 2024-12-16. Review status: criteria provided, single submitter. Criteria: LabCorp Variant Classification Summary - May 2015. Collection method: clinical testing. Allele origin: germline.
Comment: Variant summary: BRCA1 c.4675+3A>G alters a conserved nucleotide located close to a canonical splice site and therefore could affect mRNA splicing, leading to a significantly altered protein sequence. Internal RNA analysis have provided experimental evidence that this variant affects mRNA splicing by activation of a cryptic splice site resulting in partial exon 14 deletion and the introduction of a premature termination codon [r.4665_4675del (p.Gln1556Glyfs*14)]. The variant was absent in 251032 control chromosomes. c.4675+3A>G has been reported in the literature in at-least oneindividual affected with Breast and/or Ovarian Cancer (example, Santonocito_2020) . The following publication has been ascertained in the context of this evaluation (PMID: 32438681). ClinVar contains an entry for this variant (Variation ID: 185264). Based on the evidence outlined above, the variant was classified as likely pathogenic.

Labcorp Genetics (formerly Invitae), Labcorp
Classification: Likely pathogenic for Hereditary breast ovarian cancer syndrome. Last evaluated: 2024-05-06. Review status: criteria provided, single submitter. Criteria: Invitae Variant Classification Sherloc (09022015). Collection method: clinical testing. Allele origin: germline.
Comment: This sequence change falls in intron 14 of the BRCA1 gene. It does not directly change the encoded amino acid sequence of the BRCA1 protein. RNA analysis indicates that this variant induces altered splicing and may result in an absent or disrupted protein product. This variant is not present in population databases (gnomAD no frequency). This variant has been observed in individual(s) with breast and/or ovarian cancer (PMID: 32438681). ClinVar contains an entry for this variant (Variation ID: 185264). Variants that disrupt the consensus splice site are a relatively common cause of aberrant splicing (PMID: 17576681, 9536098). Studies have shown that this variant results in activation of a cryptic splice site and introduces a premature termination codon (Invitae). The resulting mRNA is expected to undergo nonsense-mediated decay. In summary, the currently available evidence indicates that the variant is pathogenic, but additional data are needed to prove that conclusively. Therefore, this variant has been classified as Likely Pathogenic.

Revvity Omics, Revvity
Classification: Uncertain significance. Last evaluated: 2023-03-20. Review status: criteria provided, single submitter. Criteria: ACMG Guidelines, 2015. Collection method: clinical testing. Allele origin: germline.

Quest Diagnostics Nichols Institute San Juan Capistrano
Classification: Uncertain significance. Last evaluated: 2021-07-02. Review status: criteria provided, single submitter. Criteria: Quest Diagnostics criteria. Collection method: clinical testing. Allele origin: unknown.

Department of Pathology and Laboratory Medicine, Sinai Health System
Classification: Uncertain significance for Malignant tumor of breast. Review status: no assertion criteria provided. Collection method: clinical testing. Allele origin: unknown. Affected: yes. Study: The Canadian Open Genetics Repository (COGR). Not counted in ClinVar's aggregate classification.
Comment: The BRCA1 c.4675+3A>G variant was not identified in the literature nor was it identified in the LOVD 3.0 and UMD-LSDB database. The variant was identified in dbSNP (rs80358082) as â€šÃ„Ãºwith pathogenic, uncertain significance alleleâ€šÃ„Ã¹ and ClinVar (classified as uncertain significance by Invitae, Ambry Genetics, and Integrated Genetics). The variant was not identified in the following control databases: the Exome Aggregation Consortium (August 8th 2016), or the Genome Aggregation Database (Feb 27, 2017). In other laboratories, a likely pathogenic variant was observed at the same loci with a different nucleotide change (c.4675+3A>T). The c.4675+3A>G variant is located in the 5' splice region but does not affect the invariant +1 and +2 positions. However, positions +3 to +6 are part of the splicing consensus sequence and variants involving these positions sometimes affect splicing. 2 out of 4 in silico or computational prediction software programs (SpliceSiteFinder, MaxEntScan, NNSPLICE, GeneSplicer) predicted a greater than 10% difference in splicing. In summary, based on the above information the clinical significance of this variant cannot be determined with certainty at this time. This variant is classified as a variant of uncertain significance.

Literature cited by the submitters: PubMed 29280214 (cited by Ambry Genetics); PubMed 32438681 (cited by 3 submitters); PubMed 17576681 (cited by Labcorp Genetics (formerly Invitae), Labcorp); PubMed 9536098 (cited by Labcorp Genetics (formerly Invitae), Labcorp).

NM_007294.4(BRCA1):c.4675+3A>G

Gene: BRCA1 (BRCA1 DNA repair associated; minus strand). Cytogenetic location: 17q21.31.
Variant type: single nucleotide variant.
Coding change: c.4675+3A>G on transcript NM_007294.4 (MANE Select); 3 bases into the intron after coding-DNA position 4675, A replaced by G.
Molecular consequence: intron variant.
Genome position (GRCh38, 1-based): chr17:43,074,328, T>C on the plus strand (A>G on the coding strand, the complement: BRCA1 is on the minus strand). VCF-style: chr17-43074328-T-C. GRCh37 (hg19) VCF-style: chr17-41226345-T-C.
Other names: c.1222+3A>G (NM_001408458.1, NM_001408461.1, NM_001408464.1 and 7 more transcripts); c.3784+3A>G (NM_001407967.1); c.4294+3A>G (NM_001407959.1); c.4408+3A>G (NM_001407931.1, NM_001407932.1, NM_001407928.1 and 4 more transcripts); c.4531+3A>G (NM_001407747.1, NM_001407745.1, NM_001407737.1 and 21 more transcripts); c.4291+3A>G (NM_001407962.1, NM_001407960.1); c.862+3A>G (NM_001408512.1); c.985+3A>G (NM_001408510.1); and 71 more.
Identifiers: ClinVar variation 185264 (VCV000185264.23), dbSNP rs80358082, ClinGen allele CA002960.
Genomic context (GRCh38, chr17:43,074,328, plus strand): 5'-TCTTTATGTAGGATTCAGAGTAAAATCAAAGTGTTTGTTCCAATACAGCAGATGAAATAT[T>C]ACCTAGATCTTGCCTTGGCAAGTAAGATGTTTCCGTCAAATCGTGTGGCCCAGACTCTTC-3'